The following is an entry in ClinVar:

ClinVar aggregate classification (germline): Uncertain significance. Review status: criteria provided, multiple submitters, no conflicts (2 of 4 stars). 2 submissions from 2 submitters: Uncertain significance (2). Last evaluated 2024-11-24.

Conditions:
Inborn genetic diseases. Identifiers: MedGen C0950123, MeSH D030342.

Allele frequency attached by ClinVar (database versions not stated): gnomAD exomes below 0.00001; TOPMed 0.00001.
gnomAD v4.1: 7 of 1,614,158 alleles (0.00043%); highest among the groups gnomAD compares: South Asian, 0.0011%; no homozygotes.

Submissions (2):

Ambry Genetics
Classification: Uncertain significance for Inborn genetic diseases. Last evaluated: 2024-11-24. Review status: criteria provided, single submitter. Criteria: Ambry Variant Classification Scheme 2023. Collection method: clinical testing. Allele origin: germline.

Labcorp Genetics (formerly Invitae), Labcorp
Classification: Uncertain significance. Last evaluated: 2021-08-18. Review status: criteria provided, single submitter. Criteria: Invitae Variant Classification Sherloc (09022015). Collection method: clinical testing. Allele origin: germline.
Comment: This sequence change replaces arginine with tryptophan at codon 373 of the CAD protein (p.Arg373Trp). The arginine residue is moderately conserved and there is a moderate physicochemical difference between arginine and tryptophan. This variant is not present in population databases (ExAC no frequency). This variant has not been reported in the literature in individuals affected with CAD-related conditions. Algorithms developed to predict the effect of missense changes on protein structure and function are either unavailable or do not agree on the potential impact of this missense change (SIFT: "Deleterious"; PolyPhen-2: "Possibly Damaging"; Align-GVGD: "Class C0"). In summary, the available evidence is currently insufficient to determine the role of this variant in disease. Therefore, it has been classified as a Variant of Uncertain Significance.

NM_004341.5(CAD):c.1117C>T (p.Arg373Trp)

Gene: CAD (carbamoyl-phosphate synthetase 2, aspartate transcarbamylase, and dihydroorotase; plus strand). Cytogenetic location: 2p23.3.
Variant type: single nucleotide variant.
Coding change: c.1117C>T on transcript NM_004341.5 (MANE Select); coding-DNA position 1117, C replaced by T.
Protein change: p.Arg373Trp; replaces arginine 373 with tryptophan.
Molecular consequence: missense variant.
Genome position (GRCh38, 1-based): chr2:27,224,353, C>T. VCF-style: chr2-27224353-C-T. GRCh37 (hg19) VCF-style: chr2-27447221-C-T.
Other names: c.1117C>T, p.Arg373Trp (NM_001306079.2); c.1117C>T (NM_004341.3); short protein forms R373W.
Identifiers: ClinVar variation 1432618 (VCV001432618.4), dbSNP rs1417632852, ClinGen allele CA346203269.
Genomic context (GRCh38, chr2:27,224,353, plus strand): 5'-CTCTTGGGTCCAGCTCAGCTCTAACATTCTACGACCTTCTTTGCTTCCACAGTTAGAGAG[C>T]GGCTGACTGAGCGCCTCTGTCCCCCTGGGATTCCCACTCCCGGCTCTGGACTTCCACCAC-3'
Protein context (NP_004332.2, residues 363-383): GNPGGQTVRE[Arg373Trp]LTERLCPPGI